The following is an entry in ClinVar:

ClinVar aggregate classification (germline): Uncertain significance (1 of 4 stars; one submission).

Conditions:
Inborn genetic diseases. Identifiers: MedGen C0950123, MeSH D030342.

Submission:

Ambry Genetics
Classification: Uncertain significance for Inborn genetic diseases. Last evaluated: 2026-06-16. Review status: criteria provided, single submitter. Criteria: Ambry Variant Classification Scheme 2023. Collection method: clinical testing. Allele origin: germline.
Comment: The c.1447A>G (p.K483E) alteration is located in exon 14 (coding exon 14) of the BRSK2 gene. This alteration results from an A to G substitution at nucleotide position 1447, causing the lysine (K) at amino acid position 483 to be replaced by a glutamic acid (E). This variant was not reported in population-based cohorts in the Genome Aggregation Database (gnomAD). This amino acid position is well conserved in available vertebrate species. The in silico prediction for this alteration is inconclusive. Based on insufficient or conflicting evidence, the clinical significance of this alteration remains unclear.

NM_001256627.2(BRSK2):c.1447A>G (p.Lys483Glu)

Gene: BRSK2 (BR serine/threonine kinase 2; plus strand). Cytogenetic location: 11p15.5.
Variant type: single nucleotide variant.
Coding change: c.1447A>G on transcript NM_001256627.2 (MANE Select); coding-DNA position 1447, A replaced by G.
Protein change: p.Lys483Glu; replaces lysine 483 with glutamic acid.
Molecular consequence: missense variant. On other transcripts: non-coding transcript variant (1).
Genome position (GRCh38, 1-based): chr11:1,450,746, A>G. VCF-style: chr11-1450746-A-G. GRCh37 (hg19) VCF-style: chr11-1471976-A-G.
Other names: c.1447A>G, p.Lys483Glu (NM_001256629.2, NM_003957.4); c.1585A>G, p.Lys529Glu (NM_001256630.1); c.1267A>G, p.Lys423Glu (NM_001282218.2); short protein forms K483E, K423E, K529E.
Identifiers: ClinVar variation 2287774 (VCV002287774.3), dbSNP rs2539667586, ClinGen allele CA379076302.
Genomic context (GRCh38, chr11:1,450,746, plus strand): 5'-ACGCCCCCGTCCAGCCCCAGCGTCGGAGGGGTGCCCTGGAGGGCGCGGCTCAACTCCATC[A>G]AGAACAGCTTTCTGGGCTCACCCCGCTTCCACCGCCGGAAACTGCAAGGTGAGTGTCTGC-3'
Protein context (NP_001243556.1, residues 473-493): VPWRARLNSI[Lys483Glu]NSFLGSPRFH